The following is an entry in ClinVar:

NM_001170629.2(CHD8):c.3322A>C (p.Ile1108Leu)

Gene: CHD8 (chromodomain helicase DNA binding protein 8; minus strand). Cytogenetic location: 14q11.2.
Variant type: single nucleotide variant.
Coding change: c.3322A>C on transcript NM_001170629.2 (MANE Select); coding-DNA position 3322, A replaced by C.
Protein change: p.Ile1108Leu; replaces isoleucine 1108 with leucine.
Molecular consequence: missense variant.
Genome position (GRCh38, 1-based): chr14:21,403,649, T>G on the plus strand (A>C on the coding strand, the complement: CHD8 is on the minus strand). VCF-style: chr14-21403649-T-G. GRCh37 (hg19) VCF-style: chr14-21871808-T-G.
Other names: c.2485A>C, p.Ile829Leu (NM_020920.4); short protein forms I829L, I1108L.
Identifiers: ClinVar variation 4707380 (VCV004707380.1).

ClinVar aggregate classification (germline): Uncertain significance (1 of 4 stars; one submission).

Submission:

Labcorp Genetics (formerly Invitae), Labcorp
Classification: Uncertain significance. Last evaluated: 2025-12-01. Review status: criteria provided, single submitter. Criteria: Invitae Variant Classification Sherloc (09022015). Collection method: clinical testing. Allele origin: germline.
Comment: This sequence change replaces isoleucine, which is neutral and non-polar, with leucine, which is neutral and non-polar, at codon 1108 of the CHD8 protein (p.Ile1108Leu). This variant is not present in population databases (gnomAD no frequency). This variant has not been reported in the literature in individuals affected with CHD8-related conditions. Invitae Evidence Modeling of protein sequence and biophysical properties (such as structural, functional, and spatial information, amino acid conservation, physicochemical variation, residue mobility, and thermodynamic stability) indicates that this missense variant is not expected to disrupt CHD8 protein function with a negative predictive value of 95%. In summary, the available evidence is currently insufficient to determine the role of this variant in disease. Therefore, it has been classified as a Variant of Uncertain Significance.